The following is an entry in ClinVar:

ClinVar aggregate classification (germline): Uncertain significance. Review status: criteria provided, multiple submitters, no conflicts (2 of 4 stars). 4 submissions from 4 submitters: Uncertain significance (4). Last evaluated 2025-03-04.

Conditions:
Hereditary cancer-predisposing syndrome. Also called: Neoplastic Syndromes, Hereditary; Tumor predisposition; Hereditary Cancer Syndrome; Hereditary neoplastic syndrome. Identifiers: Orphanet 140162, MedGen C0027672, MeSH D009386, MONDO:0015356.
Classic or attenuated familial adenomatous polyposis. Identifiers: MedGen CN372698, MONDO:0021057.
Familial adenomatous polyposis 1 (FAP1). Also called: FAMILIAL ADENOMATOUS POLYPOSIS 1, ATTENUATED; POLYPOSIS, ADENOMATOUS INTESTINAL. Identifiers: MedGen C2713442, MONDO:0021056, OMIM 175100. Disease mechanism: loss of function.

Allele frequency attached by ClinVar (database versions not stated): gnomAD exomes below 0.00001.
gnomAD v4.1: 1 of 1,613,912 alleles (0.000062%); highest among the groups gnomAD compares: Non-Finnish European, 0.000085%; no homozygotes.

Submissions (4):

Center for Genomic Medicine, Rigshospitalet, Copenhagen University Hospital
Classification: Uncertain significance. Last evaluated: 2025-03-04. Review status: criteria provided, single submitter. Criteria: ACMG Guidelines, 2015. Collection method: clinical testing. Allele origin: germline.

Labcorp Genetics (formerly Invitae), Labcorp
Classification: Uncertain significance for Familial adenomatous polyposis 1. Last evaluated: 2024-05-05. Review status: criteria provided, single submitter. Criteria: Invitae Variant Classification Sherloc (09022015). Collection method: clinical testing. Allele origin: germline.
Comment: This sequence change replaces isoleucine, which is neutral and non-polar, with threonine, which is neutral and polar, at codon 404 of the APC protein (p.Ile404Thr). This variant is not present in population databases (gnomAD no frequency). This variant has not been reported in the literature in individuals affected with APC-related conditions. ClinVar contains an entry for this variant (Variation ID: 919262). Advanced modeling of protein sequence and biophysical properties (such as structural, functional, and spatial information, amino acid conservation, physicochemical variation, residue mobility, and thermodynamic stability) performed at Invitae indicates that this missense variant is not expected to disrupt APC protein function with a negative predictive value of 95%. In summary, the available evidence is currently insufficient to determine the role of this variant in disease. Therefore, it has been classified as a Variant of Uncertain Significance.

All of Us Research Program, National Institutes of Health
Classification: Uncertain significance for Classic or attenuated familial adenomatous polyposis. Last evaluated: 2023-03-28. Review status: criteria provided, single submitter. Criteria: ACMG Guidelines, 2015. Collection method: clinical testing. Allele origin: germline. Inheritance: Autosomal dominant inheritance. Observed: 1 variant allele, 1 heterozygote.
Comment: This missense variant replaces isoleucine with threonine at codon 404 of the APC protein. Computational prediction is inconclusive regarding the impact of this variant on protein structure and function (internally defined REVEL score threshold 0.5 < inconclusive < 0.7, PMID: 27666373). Splice site prediction tools suggest that this variant may not impact RNA splicing. To our knowledge, functional studies have not been reported for this variant. This variant has not been reported in individuals affected with hereditary cancer in the literature. This variant has not been identified in the general population by the Genome Aggregation Database (gnomAD). The available evidence is insufficient to determine the role of this variant in disease conclusively. Therefore, this variant is classified as a Variant of Uncertain Significance.

This study involves interpretation of variants in research participants for the purpose of population health screening. Participant phenotype was not available at the time of variant classification. Additional details can be found in publication PMID: 35346344, PMCID: PMC8962531

Color Diagnostics, LLC DBA Color Health
Classification: Uncertain significance for Hereditary cancer-predisposing syndrome. Last evaluated: 2020-03-02. Review status: criteria provided, single submitter. Criteria: ACMG Guidelines, 2015. Collection method: clinical testing. Allele origin: germline.
Comment: This missense variant replaces isoleucine with threonine at codon 404 of the APC protein. Computational prediction is inconclusive regarding the impact of this variant on protein structure and function (internally defined REVEL score threshold 0.5 < inconclusive < 0.7, PMID: 27666373). Splice site prediction tools suggest that this variant may not impact RNA splicing. To our knowledge, functional studies have not been reported for this variant. This variant has not been reported in individuals affected with hereditary cancer in the literature. This variant has not been identified in the general population by the Genome Aggregation Database (gnomAD). The available evidence is insufficient to determine the role of this variant in disease conclusively. Therefore, this variant is classified as a Variant of Uncertain Significance.

NM_000038.6(APC):c.1211T>C (p.Ile404Thr)

Gene: APC (APC regulator of Wnt signaling pathway; plus strand). Cytogenetic location: 5q22.2.
Variant type: single nucleotide variant.
Coding change: c.1211T>C on transcript NM_000038.6 (MANE Select); coding-DNA position 1211, T replaced by C.
Protein change: p.Ile404Thr; replaces isoleucine 404 with threonine.
Molecular consequence: missense variant. On other transcripts: intron variant (4).
Genome position (GRCh38, 1-based): chr5:112,819,243, T>C. VCF-style: chr5-112819243-T-C. GRCh37 (hg19) VCF-style: chr5-112154940-T-C.
Other names: c.1211T>C, p.Ile404Thr (NM_001127510.3, NM_001354895.2, NM_001354896.2); c.1157T>C, p.Ile386Thr (NM_001127511.3); c.1241T>C, p.Ile414Thr (NM_001354897.2); c.1136T>C, p.Ile379Thr (NM_001354898.2); c.1127T>C, p.Ile376Thr (NM_001354899.2); c.1034T>C, p.Ile345Thr (NM_001354900.2, NM_001354901.2); c.362T>C, p.Ile121Thr (NM_001354906.2); c.964-26T>C (NM_001354902.2); and 3 more; short protein forms I121T, I376T, I404T, I345T, I386T, I379T, I414T.
Identifiers: ClinVar variation 919262 (VCV000919262.10), dbSNP rs1762855929, ClinGen allele CA16023956.